The following is an entry in ClinVar:

NM_000108.5(DLD):c.1119T>A (p.Cys373Ter)

Gene: DLD (dihydrolipoamide dehydrogenase; plus strand). Cytogenetic location: 7q31.1.
Variant type: single nucleotide variant.
Coding change: c.1119T>A on transcript NM_000108.5 (MANE Select); coding-DNA position 1119, T replaced by A.
Protein change: p.Cys373Ter; replaces cysteine 373 with a stop codon.
Molecular consequence: nonsense.
Genome position (GRCh38, 1-based): chr7:107,917,345, T>A. VCF-style: chr7-107917345-T-A. GRCh37 (hg19) VCF-style: chr7-107557790-T-A.
Other names: c.822T>A, p.Cys274Ter (NM_001289750.1); c.1050T>A, p.Cys350Ter (NM_001289751.1); c.975T>A, p.Cys325Ter (NM_001289752.1); short protein forms C274*, C325*, C350*, C373*.
Identifiers: ClinVar variation 984093 (VCV000984093.3), dbSNP rs2032293586, ClinGen allele CA368858253.
Genomic context (GRCh38, chr7:107,917,345, plus strand): 5'-TGGTGATGTAGTTGCTGGTCCAATGCTGGCTCACAAAGCAGAGGATGAAGGCATTATCTG[T>A]GTTGAAGGAATGGCTGGTGGTGCTGTGCACATTGACTACAATTGTGTGCCATCAGTGATT-3'

ClinVar aggregate classification (germline): Likely pathogenic (1 of 4 stars; one submission).

Conditions:
Pyruvate dehydrogenase E3 deficiency (DLDD). Also called: Dihydrolipoamide Dehydrogenase E3 Deficiency; DLD DEFICIENCY; E3 DEFICIENCY; Dihydrolipoamide Dehydrogenase (E3) Deficiency; Lipoamide dehydrogenase deficiency; MAPLE SYRUP URINE DISEASE, TYPE III. Identifiers: Orphanet 2394, Orphanet 765, MedGen C5574660, MONDO:0009529, OMIM 246900.

Submission:

Myriad Genetics, Inc.
Classification: Likely pathogenic for Pyruvate dehydrogenase E3 deficiency. Last evaluated: 2019-03-21. Review status: criteria provided, single submitter. Criteria: Myriad Women's Health Autosomal Recessive and X-Linked Classification Criteria (2019). Collection method: clinical testing. Allele origin: unknown.
Comment: NM_000108.3(DLD):c.1119T>A(C373*) is expected to be pathogenic in the context of dihydrolipoamide dehydrogenase deficiency. This variant is predicted to lead to an abnormal or absent protein product due to the creation of a premature termination codon in DLD, a gene where loss-of-function variants are known to be pathogenic. Please note: this variant was assessed in the context of healthy population screening.